The following is an entry in ClinVar:

ClinVar aggregate classification (germline): Uncertain significance (1 of 4 stars; one submission).

Allele frequency attached by ClinVar (database versions not stated): gnomAD 0.00001; TOPMed 0.00001; ExAC 0.00002; gnomAD exomes below 0.00001.
gnomAD v4.1: 7 of 1,612,396 alleles (0.00043%); highest among the groups gnomAD compares: African/African-American, 0.0027%; no homozygotes.

Submission:

Labcorp Genetics (formerly Invitae), Labcorp
Classification: Uncertain significance. Last evaluated: 2025-08-14. Review status: criteria provided, single submitter. Criteria: Invitae Variant Classification Sherloc (09022015). Collection method: clinical testing. Allele origin: germline.
Comment: This sequence change replaces arginine, which is basic and polar, with tryptophan, which is neutral and slightly polar, at codon 359 of the PHF21A protein (p.Arg359Trp). This variant is present in population databases (rs779958949, gnomAD 0.008%). This variant has not been reported in the literature in individuals affected with PHF21A-related conditions. ClinVar contains an entry for this variant (Variation ID: 2892723). Invitae Evidence Modeling of protein sequence and biophysical properties (such as structural, functional, and spatial information, amino acid conservation, physicochemical variation, residue mobility, and thermodynamic stability) indicates that this missense variant is not expected to disrupt PHF21A protein function with a negative predictive value of 80%. In summary, the available evidence is currently insufficient to determine the role of this variant in disease. Therefore, it has been classified as a Variant of Uncertain Significance.

NM_001352027.3(PHF21A):c.1078C>T (p.Arg360Trp)

Gene: PHF21A (PHD finger protein 21A; minus strand). Cytogenetic location: 11p11.2.
Variant type: single nucleotide variant.
Coding change: c.1078C>T on transcript NM_001352027.3 (MANE Select); coding-DNA position 1078, C replaced by T.
Protein change: p.Arg360Trp; replaces arginine 360 with tryptophan.
Molecular consequence: missense variant. On other transcripts: non-coding transcript variant (2).
Genome position (GRCh38, 1-based): chr11:45,953,544, G>A on the plus strand (C>T on the coding strand, the complement: PHF21A is on the minus strand). VCF-style: chr11-45953544-G-A. GRCh37 (hg19) VCF-style: chr11-45975095-G-A.
Other names: c.1075C>T, p.Arg359Trp (NM_001101802.3, NM_001352030.3, NM_001352031.3 and 1 more transcripts); c.1078C>T, p.Arg360Trp (NM_001352025.3, NM_001352026.3, NM_001352028.1 and 2 more transcripts); short protein forms R360W, R359W.
Identifiers: ClinVar variation 2892723 (VCV002892723.3), dbSNP rs779958949, ClinGen allele CA5961220.